The following is an entry in ClinVar:

NM_005591.4(MRE11):c.*2731G>A

Gene: MRE11 (MRE11 double strand break repair nuclease; minus strand). Cytogenetic location: 11q21.
Variant type: single nucleotide variant.
Coding change: c.*2731G>A on transcript NM_005591.4 (MANE Select); 2731 bases downstream of the stop codon, G replaced by A.
Molecular consequence: 3 prime UTR variant.
Genome position (GRCh38, 1-based): chr11:94,417,394, C>T on the plus strand (G>A on the coding strand, the complement: MRE11 is on the minus strand). VCF-style: chr11-94417394-C-T. GRCh37 (hg19) VCF-style: chr11-94150560-C-T.
Other names: c.*2731G>A (NM_001330347.2, NM_005590.4).
Identifiers: ClinVar variation 60640 (VCV000060640.1), dbSNP rs397509349, ClinGen allele CA144578.

ClinVar aggregate classification (germline): other (0 of 4 stars; one submission).

Conditions:
Malignant tumor of urinary bladder. Also called: Urinary bladder cancer; Urinary Bladder Neoplasms; Bladder cancer. Identifiers: MedGen C0005684, MONDO:0001187, OMIM 109800.

Allele frequency attached by ClinVar (database versions not stated): gnomAD exomes 0.00001.
gnomAD v4.1: 1 of 231,662 alleles (0.00043%); highest among the groups gnomAD compares: Non-Finnish European, 0.00085%; no homozygotes.

Submission:

Gray Institute for Radiation Oncology & Biology, University of Oxford
Classification: other. Review status: no assertion criteria provided. Collection method: not provided. Allele origin: germline.
Comment: Detected by next-generation sequencing & confirmed by Sanger sequencing. Associated with survival following radical radiotherapy